The following is an entry in ClinVar:

NM_080473.5(GATA5):c.913+4C>T

Gene: GATA5 (GATA binding protein 5; minus strand). Cytogenetic location: 20q13.33.
Variant type: single nucleotide variant.
Coding change: c.913+4C>T on transcript NM_080473.5 (MANE Select); 4 bases into the intron after coding-DNA position 913, C replaced by T.
Molecular consequence: intron variant.
Genome position (GRCh38, 1-based): chr20:62,465,830, G>A on the plus strand (C>T on the coding strand, the complement: GATA5 is on the minus strand). VCF-style: chr20-62465830-G-A. GRCh37 (hg19) VCF-style: chr20-61040886-G-A.
Identifiers: ClinVar variation 1439046 (VCV001439046.6), dbSNP rs782687806, ClinGen allele CA9946137.
Genomic context (GRCh38, chr20:62,465,830, plus strand): 5'-GGAACTGGAGGCACCGAAGGCCACTCCGCAGGAGCGGGGCTGACTGCAGGGCCTGGCCAC[G>A]CACCTGAGGAGCCCCTGGCCTTGGCGATGGTCTTTGGCTTCCGCTTCCGTGTCTGGATGC-3'

ClinVar aggregate classification (germline): Uncertain significance (1 of 4 stars; one submission).

Allele frequency attached by ClinVar (database versions not stated): ExAC 0.00006.

Submission:

Labcorp Genetics (formerly Invitae), Labcorp
Classification: Uncertain significance. Last evaluated: 2025-05-30. Review status: criteria provided, single submitter. Criteria: Invitae Variant Classification Sherloc (09022015). Collection method: clinical testing. Allele origin: germline.
Comment: This sequence change falls in intron 5 of the GATA5 gene. It does not directly change the encoded amino acid sequence of the GATA5 protein. It affects a nucleotide within the consensus splice site. The frequency data for this variant in the population databases is considered unreliable, as metrics indicate poor data quality at this position in the gnomAD database. This variant has not been reported in the literature in individuals affected with GATA5-related conditions. ClinVar contains an entry for this variant (Variation ID: 1439046). Variants that disrupt the consensus splice site are a relatively common cause of aberrant splicing (PMID: 17576681, 9536098). Algorithms developed to predict the effect of sequence changes on RNA splicing suggest that this variant is not likely to affect RNA splicing. In summary, the available evidence is currently insufficient to determine the role of this variant in disease. Therefore, it has been classified as a Variant of Uncertain Significance.

Literature cited by the submitters: PubMed 17576681; PubMed 9536098.